The following is an entry in ClinVar:

NM_017763.6(RNF43):c.1592G>A (p.Arg531His)

Gene: RNF43 (ring finger protein 43; minus strand). Cytogenetic location: 17q22.
Variant type: single nucleotide variant.
Coding change: c.1592G>A on transcript NM_017763.6 (MANE Select); coding-DNA position 1592, G replaced by A.
Protein change: p.Arg531His; replaces arginine 531 with histidine.
Molecular consequence: missense variant.
Genome position (GRCh38, 1-based): chr17:58,358,184, C>T on the plus strand (G>A on the coding strand, the complement: RNF43 is on the minus strand). VCF-style: chr17-58358184-C-T. GRCh37 (hg19) VCF-style: chr17-56435545-C-T.
Other names: p.Arg531His; c.1592G>A (NM_017763.4); c.1592G>A, p.Arg531His (NM_001305544.3); c.1211G>A, p.Arg404His (NM_001305545.2); short protein forms R404H, R531H.
Identifiers: ClinVar variation 1130449 (VCV001130449.23), dbSNP rs148619997, ClinGen allele CA8673151.

ClinVar aggregate classification (germline): Conflicting classifications of pathogenicity. Review status: criteria provided, conflicting classifications (1 of 4 stars). 7 submissions from 7 submitters: Uncertain significance (3); Benign (1); Likely benign (3). Last evaluated 2026-08-01.

Conditions:
Sessile serrated polyposis cancer syndrome (SSPCS). Identifiers: Orphanet 157798, MedGen C4310714, MONDO:0014919, OMIM 617108.

Allele frequency attached by ClinVar (database versions not stated): gnomAD exomes 0.00024; ExAC 0.00032; TOPMed 0.00046; 1000 Genomes Project 0.00060; gnomAD 0.00060 and 0.00062; 1000 Genomes Project 30x 0.00062; ESP Exome Variant Server 0.00069.
gnomAD v4.1: 256 of 1,612,238 alleles (0.016%); highest among the groups gnomAD compares: African/African-American, 0.17%; 1 homozygote.

Submissions (7):

CeGaT Center for Human Genetics Tuebingen
Classification: Likely benign. Last evaluated: 2026-08-01. Review status: criteria provided, single submitter. Criteria: CeGaT Center For Human Genetics Tuebingen Variant Classification Criteria Version 2. Collection method: clinical testing. Allele origin: germline. Affected: yes. Observed: 1 variant allele.
Comment: RNF43: BP4, BS1

Labcorp Genetics (formerly Invitae), Labcorp
Classification: Likely benign. Last evaluated: 2025-12-08. Review status: criteria provided, single submitter. Criteria: Invitae Variant Classification Sherloc (09022015). Collection method: clinical testing. Allele origin: germline.

Mayo Clinic Laboratories, Mayo Clinic
Classification: Likely benign. Last evaluated: 2025-11-28. Review status: criteria provided, single submitter. Criteria: ACMG Guidelines, 2015. Collection method: clinical testing. Allele origin: germline. Observed: 1 variant allele.
Comment: BS1, BP4_moderate

GeneDx
Classification: Uncertain significance. Last evaluated: 2025-05-16. Review status: criteria provided, single submitter. Criteria: GeneDx Variant Classification Process June 2021. Collection method: clinical testing. Allele origin: germline.
Comment: In silico analysis suggests that this missense variant does not alter protein structure/function; Has not been previously published as pathogenic or benign to our knowledge; This variant is associated with the following publications: (PMID: 36358773)

Center for Genomic Medicine, Rigshospitalet, Copenhagen University Hospital
Classification: Uncertain significance. Last evaluated: 2025-03-04. Review status: criteria provided, single submitter. Criteria: ACMG Guidelines, 2015. Collection method: clinical testing. Allele origin: germline.

Ambry Genetics
Classification: Benign. Last evaluated: 2024-10-28. Review status: criteria provided, single submitter. Criteria: Ambry Variant Classification Scheme 2023. Collection method: clinical testing. Allele origin: germline.

Department of Pathology and Laboratory Medicine, Sinai Health System
Classification: Uncertain significance for Sessile serrated polyposis cancer syndrome. Last evaluated: 2024-10-22. Review status: criteria provided, single submitter. Criteria: ACMG Guidelines, 2015. Collection method: clinical testing. Allele origin: germline.